The following is an entry in ClinVar:

NM_001130987.2(DYSF):c.4911G>C (p.Lys1637Asn)

Gene: DYSF (dysferlin; plus strand). Cytogenetic location: 2p13.2.
Variant type: single nucleotide variant.
Coding change: c.4911G>C on transcript NM_001130987.2 (MANE Select); coding-DNA position 4911, G replaced by C.
Protein change: p.Lys1637Asn; replaces lysine 1637 with asparagine.
Molecular consequence: missense variant.
Genome position (GRCh38, 1-based): chr2:71,659,033, G>C. VCF-style: chr2-71659033-G-C. GRCh37 (hg19) VCF-style: chr2-71886163-G-C.
Other names: c.4797G>C, p.Lys1599Asn (NM_001130455.2); c.4752G>C, p.Lys1584Asn (NM_001130976.2); c.4815G>C, p.Lys1605Asn (NM_001130977.2); c.4857G>C, p.Lys1619Asn (NM_001130978.2); c.4887G>C, p.Lys1629Asn (NM_001130979.2); c.4845G>C, p.Lys1615Asn (NM_001130980.2); c.4908G>C, p.Lys1636Asn (NM_001130981.2); c.4890G>C, p.Lys1630Asn (NM_001130982.2); and 5 more; short protein forms K1584N, K1585N, K1598N, K1599N, K1605N, K1606N, K1615N, K1616N.
Identifiers: ClinVar variation 2418333 (VCV002418333.3), dbSNP rs141704244, ClinGen allele CA1707167.
Genomic context (GRCh38, chr2:71,659,033, plus strand): 5'-CTTGGTCCGTATCTACATTGTCCGAGCATTTGGCCTGCAGCCCAAGGACCCCAATGGAAA[G>C]GTAACTTTCCTAGAGCCCTCACCTCCCCCAGAGTAGCAGGCTCAGGTACAAGTGGCCTAT-3'
Protein context (NP_001124459.1, residues 1627-1647): FGLQPKDPNG[Lys1637Asn]CDPYIKISIG

ClinVar aggregate classification (germline): Uncertain significance (1 of 4 stars; one submission).

Conditions:
Neuromuscular disease caused by qualitative or quantitative defects of dysferlin. Also called: Qualitative or quantitative defects of dysferlin; Dysferlinopathy. Identifiers: Orphanet 207073, MedGen C2931687, MONDO:0016145.

gnomAD v4.1: 6 of 1,613,984 alleles (0.00037%); highest among the groups gnomAD compares: African/African-American, 0.0053%; no homozygotes.

Submission:

Labcorp Genetics (formerly Invitae), Labcorp
Classification: Uncertain significance for Neuromuscular disease caused by qualitative or quantitative defects of dysferlin. Last evaluated: 2022-08-05. Review status: criteria provided, single submitter. Criteria: Invitae Variant Classification Sherloc (09022015). Collection method: clinical testing. Allele origin: germline.
Comment: This sequence change replaces lysine, which is basic and polar, with asparagine, which is neutral and polar, at codon 1598 of the DYSF protein (p.Lys1598Asn). This variant also falls at the last nucleotide of exon 43, which is part of the consensus splice site for this exon. This variant is present in population databases (rs141704244, gnomAD 0.02%). This variant has not been reported in the literature in individuals affected with DYSF-related conditions. Algorithms developed to predict the effect of missense changes on protein structure and function are either unavailable or do not agree on the potential impact of this missense change (SIFT: "Tolerated"; PolyPhen-2: "Probably Damaging"; Align-GVGD: "Class C0"). Variants that disrupt the consensus splice site are a relatively common cause of aberrant splicing (PMID: 17576681, 9536098). Algorithms developed to predict the effect of sequence changes on RNA splicing suggest that this variant may disrupt the consensus splice site. In summary, the available evidence is currently insufficient to determine the role of this variant in disease. Therefore, it has been classified as a Variant of Uncertain Significance.

Literature cited by the submitters: PubMed 17576681; PubMed 9536098.